The following is an entry in ClinVar:

NM_003036.4(SKI):c.89G>A (p.Ser30Asn)

Gene: SKI (SKI proto-oncogene; plus strand). Cytogenetic location: 1p36.33.
Variant type: single nucleotide variant.
Coding change: c.89G>A on transcript NM_003036.4 (MANE Select); coding-DNA position 89, G replaced by A.
Protein change: p.Ser30Asn; replaces serine 30 with asparagine.
Molecular consequence: missense variant.
Genome position (GRCh38, 1-based): chr1:2,228,855, G>A. VCF-style: chr1-2228855-G-A. GRCh37 (hg19) VCF-style: chr1-2160294-G-A.
Other names: c.89G>A (NM_003036.3); short protein forms S30N.
Identifiers: ClinVar variation 2008214 (VCV002008214.7), dbSNP rs1638562525, ClinGen allele CA337952069.

ClinVar aggregate classification (germline): Uncertain significance. Review status: criteria provided, multiple submitters, no conflicts (2 of 4 stars). 3 submissions from 3 submitters: Uncertain significance (3). Last evaluated 2024-07-17.

Conditions:
Familial thoracic aortic aneurysm and aortic dissection (TAAD). Also called: Thoracic aortic aneurysms and dissections. Identifiers: Orphanet 91387, MedGen C4707243, MONDO:0019625.
Shprintzen-Goldberg syndrome (SGS). Also called: SHPRINTZEN-GOLDBERG CRANIOSYNOSTOSIS SYNDROME; CRANIOSYNOSTOSIS WITH ARACHNODACTYLY AND ABDOMINAL HERNIAS; Marfanoid disorder with craniosynostosis type 1; Marfanoid craniosynostosis syndrome; Shprintzen-Goldberg marfanoid syndrome. Identifiers: Orphanet 2462, MedGen C1321551, MONDO:0008426, OMIM 182212.

Allele frequency attached by ClinVar (database versions not stated): gnomAD exomes below 0.00001; TOPMed below 0.00001.
gnomAD v4.1: 3 of 1,427,828 alleles (0.00021%); highest among the groups gnomAD compares: South Asian, 0.0013%; no homozygotes.

Submissions (3):

ARUP Laboratories, Molecular Genetics and Genomics, ARUP Laboratories
Classification: Uncertain significance for Shprintzen-Goldberg syndrome. Last evaluated: 2024-07-17. Review status: criteria provided, single submitter. Criteria: ARUP Molecular Germline Variant Investigation Process 2024. Collection method: clinical testing. Allele origin: germline.
Comment: The SKI c.89G>A; p.Ser30Asn variant (rs1638562525), to our knowledge, is not reported in the medical literature but is reported in ClinVar (Variation ID: 2008214). This variant is absent from the Genome Aggregation Database (v2.1.1), indicating it is not a common polymorphism. Computational analyses are uncertain whether this variant is neutral or deleterious (REVEL: 0.346). Due to limited information, the clinical significance of this variant is uncertain at this time.

Labcorp Genetics (formerly Invitae), Labcorp
Classification: Uncertain significance for Shprintzen-Goldberg syndrome. Last evaluated: 2024-04-16. Review status: criteria provided, single submitter. Criteria: Invitae Variant Classification Sherloc (09022015). Collection method: clinical testing. Allele origin: germline.
Comment: This sequence change replaces serine, which is neutral and polar, with asparagine, which is neutral and polar, at codon 30 of the SKI protein (p.Ser30Asn). This variant is not present in population databases (gnomAD no frequency). This variant has not been reported in the literature in individuals affected with SKI-related conditions. ClinVar contains an entry for this variant (Variation ID: 2008214). Advanced modeling of protein sequence and biophysical properties (such as structural, functional, and spatial information, amino acid conservation, physicochemical variation, residue mobility, and thermodynamic stability) has been performed at Invitae for this missense variant, however the output from this modeling did not meet the statistical confidence thresholds required to predict the impact of this variant on SKI protein function. In summary, the available evidence is currently insufficient to determine the role of this variant in disease. Therefore, it has been classified as a Variant of Uncertain Significance.

Ambry Genetics
Classification: Uncertain significance for Familial thoracic aortic aneurysm and aortic dissection. Last evaluated: 2023-06-05. Review status: criteria provided, single submitter. Criteria: Ambry Variant Classification Scheme 2023. Collection method: clinical testing. Allele origin: germline.
Comment: The p.S30N variant (also known as c.89G>A), located in coding exon 1 of the SKI gene, results from a G to A substitution at nucleotide position 89. The serine at codon 30 is replaced by asparagine, an amino acid with highly similar properties. This amino acid position is conserved. In addition, this alteration is predicted to be tolerated by in silico analysis. Since supporting evidence is limited at this time, the clinical significance of this alteration remains unclear.